The following is an entry in ClinVar:

NM_001136035.4(TRMT1):c.497G>A (p.Arg166His)

Gene: TRMT1 (tRNA methyltransferase 1; minus strand). Cytogenetic location: 19p13.13.
Variant type: single nucleotide variant.
Coding change: c.497G>A on transcript NM_001136035.4 (MANE Select); coding-DNA position 497, G replaced by A.
Protein change: p.Arg166His; replaces arginine 166 with histidine.
Molecular consequence: missense variant. On other transcripts: 5 prime UTR variant (1).
Genome position (GRCh38, 1-based): chr19:13,115,423, C>T on the plus strand (G>A on the coding strand, the complement: TRMT1 is on the minus strand). VCF-style: chr19-13115423-C-T. GRCh37 (hg19) VCF-style: chr19-13226237-C-T.
Other names: c.497G>A, p.Arg166His (NM_001142554.3, NM_001351760.2, NM_017722.5); c.389G>A, p.Arg130His (NM_001351761.2); c.-274G>A (NM_001351762.2); short protein forms R130H, R166H.
Identifiers: ClinVar variation 3602328 (VCV003602328.1).

ClinVar aggregate classification (germline): Uncertain significance (1 of 4 stars; one submission).

Submission:

GeneDx
Classification: Uncertain significance. Last evaluated: 2024-07-31. Review status: criteria provided, single submitter. Criteria: GeneDx Variant Classification Process June 2021. Collection method: clinical testing. Allele origin: germline. Affected: yes.
Comment: In silico analysis supports that this missense variant has a deleterious effect on protein structure/function; Has not been previously published as pathogenic or benign to our knowledge